The following is an entry in ClinVar:

NM_001430.5(EPAS1):c.2038A>G (p.Lys680Glu)

Gene: EPAS1 (endothelial PAS domain protein 1; plus strand). Cytogenetic location: 2p21.
Variant type: single nucleotide variant.
Coding change: c.2038A>G on transcript NM_001430.5 (MANE Select); coding-DNA position 2038, A replaced by G.
Protein change: p.Lys680Glu; replaces lysine 680 with glutamic acid.
Molecular consequence: missense variant.
Genome position (GRCh38, 1-based): chr2:46,380,710, A>G. VCF-style: chr2-46380710-A-G. GRCh37 (hg19) VCF-style: chr2-46607849-A-G.
Other names: short protein forms K680E.
Identifiers: ClinVar variation 3221596 (VCV003221596.1), dbSNP rs2546478013, ClinGen allele CA346705390.

ClinVar aggregate classification (germline): Uncertain significance (1 of 4 stars; one submission).

Conditions:
Inborn genetic diseases. Identifiers: MedGen C0950123, MeSH D030342.

Submission:

Ambry Genetics
Classification: Uncertain significance for Inborn genetic diseases. Last evaluated: 2024-02-29. Review status: criteria provided, single submitter. Criteria: Ambry Variant Classification Scheme 2023. Collection method: clinical testing. Allele origin: germline.
Comment: The p.K680E variant (also known as c.2038A>G), located in coding exon 12 of the EPAS1 gene, results from an A to G substitution at nucleotide position 2038. The lysine at codon 680 is replaced by glutamic acid, an amino acid with similar properties. This amino acid position is conserved. In addition, this alteration is predicted to be tolerated by in silico analysis. Based on the available evidence, the clinical significance of this alteration remains unclear.